The following is an entry in ClinVar:

ClinVar aggregate classification (germline): Uncertain significance. Review status: criteria provided, multiple submitters, no conflicts (2 of 4 stars). 2 submissions from 2 submitters: Uncertain significance (2). Last evaluated 2026-06-19.

Conditions:
Cohen syndrome (COH1). Also called: Cutis verticis gyrata, retinitis pigmentosa, and sensorineural deafness; PEPPER SYNDROME. Identifiers: Orphanet 193, MedGen C0265223, MONDO:0008999, OMIM 216550.
VPS13B-related disorder. Also called: VPS13B-related condition.

Allele frequency attached by ClinVar (database versions not stated): gnomAD exomes 0.00002; ExAC 0.00003; TOPMed 0.00004; gnomAD 0.00006 and 0.00007; ESP Exome Variant Server 0.00015.
gnomAD v4.1: 18 of 1,613,878 alleles (0.0011%); highest among the groups gnomAD compares: African/African-American, 0.011%; no homozygotes.

Submissions (2):

PreventionGenetics, part of Exact Sciences
Classification: Uncertain significance for VPS13B-related condition. Last evaluated: 2026-06-19. Review status: criteria provided, single submitter. Criteria: ACMG Guidelines, 2015. Collection method: clinical testing. Allele origin: germline.
Comment: The VPS13B c.329G>A variant is predicted to result in the amino acid substitution p.Arg110His. To our knowledge, this variant has not been reported in the literature. This variant is reported in 0.0080% of alleles in individuals of African descent in gnomAD. At this time, the clinical significance of this variant is uncertain due to the absence of conclusive functional and genetic evidence.

Labcorp Genetics (formerly Invitae), Labcorp
Classification: Uncertain significance for Cohen syndrome. Last evaluated: 2022-10-13. Review status: criteria provided, single submitter. Criteria: Invitae Variant Classification Sherloc (09022015). Collection method: clinical testing. Allele origin: germline.
Comment: This sequence change replaces arginine with histidine at codon 110 of the VPS13B protein (p.Arg110His). The arginine residue is moderately conserved and there is a small physicochemical difference between arginine and histidine. This variant is present in population databases (rs61754110, gnomAD 0.005%). This variant has not been reported in the literature in individuals affected with VPS13B-related conditions. ClinVar contains an entry for this variant (Variation ID: 1365351). Advanced modeling of protein sequence and biophysical properties (such as structural, functional, and spatial information, amino acid conservation, physicochemical variation, residue mobility, and thermodynamic stability) performed at Invitae indicates that this missense variant is expected to disrupt VPS13B protein function. In summary, the available evidence is currently insufficient to determine the role of this variant in disease. Therefore, it has been classified as a Variant of Uncertain Significance.

NM_152564.5(VPS13B):c.329G>A (p.Arg110His)

Gene: VPS13B (vacuolar protein sorting 13 homolog B; plus strand). Cytogenetic location: 8q22.2.
Variant type: single nucleotide variant.
Coding change: c.329G>A on transcript NM_152564.5 (MANE Select); coding-DNA position 329, G replaced by A.
Protein change: p.Arg110His; replaces arginine 110 with histidine.
Molecular consequence: missense variant. On other transcripts: non-coding transcript variant (1).
Genome position (GRCh38, 1-based): chr8:99,096,349, G>A. VCF-style: chr8-99096349-G-A. GRCh37 (hg19) VCF-style: chr8-100108577-G-A.
Other names: c.329G>A, p.Arg110His (NM_015243.3, NM_017890.5, NM_181661.3); c.329G>A (NM_152564.4); short protein forms R110H.
Identifiers: ClinVar variation 1365351 (VCV001365351.5), dbSNP rs61754110, ClinGen allele CA4822346.